The following is an entry in ClinVar:

NM_014141.6(CNTNAP2):c.1120G>A (p.Val374Met)

Gene: CNTNAP2 (contactin associated protein 2; plus strand). Cytogenetic location: 7q35.
Variant type: single nucleotide variant.
Coding change: c.1120G>A on transcript NM_014141.6 (MANE Select); coding-DNA position 1120, G replaced by A.
Protein change: p.Val374Met; replaces valine 374 with methionine.
Molecular consequence: missense variant.
Genome position (GRCh38, 1-based): chr7:147,132,281, G>A. VCF-style: chr7-147132281-G-A. GRCh37 (hg19) VCF-style: chr7-146829373-G-A.
Other names: short protein forms V374M.
Identifiers: ClinVar variation 3383726 (VCV003383726.1).

ClinVar aggregate classification (germline): Uncertain significance (1 of 4 stars; one submission).

gnomAD v4.1: 1 of 1,613,656 alleles (0.000062%); highest among the groups gnomAD compares: Admixed American, 0.0017%; no homozygotes.

Submission:

GeneDx
Classification: Uncertain significance. Last evaluated: 2024-05-30. Review status: criteria provided, single submitter. Criteria: GeneDx Variant Classification Process June 2021. Collection method: clinical testing. Allele origin: germline. Affected: yes.
Comment: Not observed at significant frequency in large population cohorts (gnomAD); In silico analysis indicates that this missense variant does not alter protein structure/function; Has not been previously published as pathogenic or benign to our knowledge